The following is an entry in ClinVar:

ClinVar aggregate classification (germline): Uncertain significance. Review status: criteria provided, multiple submitters, no conflicts (2 of 4 stars). 2 submissions from 2 submitters: Uncertain significance (2). Last evaluated 2026-02-10.

Allele frequency attached by ClinVar (database versions not stated): gnomAD 0.00001; TOPMed below 0.00001.
gnomAD v4.1: 1 of 1,614,014 alleles (0.000062%); highest among the groups gnomAD compares: Non-Finnish European, 0.000085%; no homozygotes.

Submissions (2):

GeneDx
Classification: Uncertain significance. Last evaluated: 2026-02-10. Review status: criteria provided, single submitter. Criteria: GeneDx Variant Classification Process June 2021. Collection method: clinical testing. Allele origin: germline.
Comment: Not observed at significant frequency in large population cohorts (gnomAD); In silico analysis supports that this missense variant has a deleterious effect on protein structure/function; Has not been previously published as pathogenic or benign to our knowledge

Labcorp Genetics (formerly Invitae), Labcorp
Classification: Uncertain significance. Last evaluated: 2022-10-17. Review status: criteria provided, single submitter. Criteria: Invitae Variant Classification Sherloc (09022015). Collection method: clinical testing. Allele origin: germline.
Comment: In summary, the available evidence is currently insufficient to determine the role of this variant in disease. Therefore, it has been classified as a Variant of Uncertain Significance. Advanced modeling of protein sequence and biophysical properties (such as structural, functional, and spatial information, amino acid conservation, physicochemical variation, residue mobility, and thermodynamic stability) performed at Invitae indicates that this missense variant is not expected to disrupt SCN3A protein function. ClinVar contains an entry for this variant (Variation ID: 1063349). This variant has not been reported in the literature in individuals affected with SCN3A-related conditions. This variant is present in population databases (no rsID available, gnomAD 0.007%). This sequence change replaces phenylalanine, which is neutral and non-polar, with cysteine, which is neutral and slightly polar, at codon 1030 of the SCN3A protein (p.Phe1030Cys).

NM_006922.4(SCN3A):c.3089T>G (p.Phe1030Cys)

Gene: SCN3A (sodium voltage-gated channel alpha subunit 3; minus strand). Cytogenetic location: 2q24.3.
Variant type: single nucleotide variant.
Coding change: c.3089T>G on transcript NM_006922.4 (MANE Select); coding-DNA position 3089, T replaced by G.
Protein change: p.Phe1030Cys; replaces phenylalanine 1030 with cysteine.
Molecular consequence: missense variant.
Genome position (GRCh38, 1-based): chr2:165,127,935, A>C on the plus strand (T>G on the coding strand, the complement: SCN3A is on the minus strand). VCF-style: chr2-165127935-A-C. GRCh37 (hg19) VCF-style: chr2-165984445-A-C.
Other names: c.3089T>G (NM_006922.3); c.2942T>G, p.Phe981Cys (NM_001081676.2, NM_001081677.2); short protein forms F1030C, F981C.
Identifiers: ClinVar variation 1063349 (VCV001063349.10), dbSNP rs1293866537, ClinGen allele CA349041138.